The following is an entry in ClinVar:

NM_001292034.3(TAB2):c.1555del (p.Glu519fs)

Genes: TAB2 (TGF-beta activated kinase 1 (MAP3K7) binding protein 2; plus strand), LOC126859827 (BRD4-independent group 4 enhancer GRCh37_chr6:149699707-149700906; plus strand). Cytogenetic location: 6q25.1.
Variant type: Deletion.
Coding change: c.1555del on transcript NM_001292034.3 (MANE Select); coding-DNA position 1555, one base deleted (G; older notation c.1555delG).
Protein change: p.Glu519fs; shifts the reading frame from glutamic acid 519.
Molecular consequence: frameshift variant.
Genome position (GRCh38, 1-based): chr6:149,379,470, G deleted. VCF-style (leftmost placement, unchanged base first): chr6-149379469-TG-T. GRCh37 (hg19) VCF-style: chr6-149700605-TG-T.
Other names: c.1459del, p.Glu487fs (NM_001292035.3); c.1555del, p.Glu519fs (NM_001369506.1, NM_015093.6); short protein forms E519fs, E487fs.
Identifiers: ClinVar variation 2017707 (VCV002017707.4), dbSNP rs2483399410, ClinGen allele CA2580075190.

ClinVar aggregate classification (germline): Pathogenic (1 of 4 stars; one submission).

Submission:

Labcorp Genetics (formerly Invitae), Labcorp
Classification: Pathogenic. Last evaluated: 2022-09-04. Review status: criteria provided, single submitter. Criteria: Invitae Variant Classification Sherloc (09022015). Collection method: clinical testing. Allele origin: germline.
Comment: For these reasons, this variant has been classified as Pathogenic. This variant has not been reported in the literature in individuals affected with TAB2-related conditions. This variant is not present in population databases (gnomAD no frequency). This sequence change creates a premature translational stop signal (p.Glu519Lysfs*5) in the TAB2 gene. It is expected to result in an absent or disrupted protein product. Loss-of-function variants in TAB2 are known to be pathogenic (PMID: 28386937, 31250519).

Literature cited by the submitters: PubMed 28386937; PubMed 31250519.